The following is an entry in ClinVar:

NM_004453.4(ETFDH):c.999C>A (p.Tyr333Ter)

Gene: ETFDH (electron transfer flavoprotein dehydrogenase; plus strand). Cytogenetic location: 4q32.1.
Variant type: single nucleotide variant.
Coding change: c.999C>A on transcript NM_004453.4 (MANE Select); coding-DNA position 999, C replaced by A.
Protein change: p.Tyr333Ter; replaces tyrosine 333 with a stop codon.
Molecular consequence: nonsense.
Genome position (GRCh38, 1-based): chr4:158,699,013, C>A. VCF-style: chr4-158699013-C-A. GRCh37 (hg19) VCF-style: chr4-159620165-C-A.
Other names: c.858C>A, p.Tyr286Ter (NM_001281737.2); c.816C>A, p.Tyr272Ter (NM_001281738.1); short protein forms Y286*, Y333*, Y272*.
Identifiers: ClinVar variation 1403937 (VCV001403937.6), dbSNP rs2150312228, ClinGen allele CA358561965.
Genomic context (GRCh38, chr4:158,699,013, plus strand): 5'-AATGTCTAATTAAATATAAGTGTAAATTTTTAAGGTTGGTCTAGACTATCAGAATCCATA[C>A]CTGAGTCCATTTAGAGAGTTCCAAAGGTGGAAACACCATCCTAGCATTCGGCCAACCTTG-3'

ClinVar aggregate classification (germline): Pathogenic (1 of 4 stars; one submission).

Conditions:
Multiple acyl-CoA dehydrogenase deficiency (MADD). Also called: Glutaric aciduria, type 2; Glutaric acidemia type II; GA 2; Glutaric Acidemia type 2; ETHYLMALONIC-ADIPICACIDURIA; GA II. Identifiers: Orphanet 26791, MedGen C0268596, MONDO:0009282, OMIM 231680.

Submission:

Labcorp Genetics (formerly Invitae), Labcorp
Classification: Pathogenic for Multiple acyl-CoA dehydrogenase deficiency. Last evaluated: 2023-08-21. Review status: criteria provided, single submitter. Criteria: Invitae Variant Classification Sherloc (09022015). Collection method: clinical testing. Allele origin: germline.
Comment: For these reasons, this variant has been classified as Pathogenic. ClinVar contains an entry for this variant (Variation ID: 1403937). This variant has not been reported in the literature in individuals affected with ETFDH-related conditions. This variant is not present in population databases (gnomAD no frequency). This sequence change creates a premature translational stop signal (p.Tyr333*) in the ETFDH gene. It is expected to result in an absent or disrupted protein product. Loss-of-function variants in ETFDH are known to be pathogenic (PMID: 16510302, 23785301).

Literature cited by the submitters: PubMed 16510302; PubMed 23785301.